The following is an entry in ClinVar:

NM_001312673.2(PCYT1A):c.980A>G (p.Glu327Gly)

Gene: PCYT1A (phosphate cytidylyltransferase 1A, choline; minus strand). Cytogenetic location: 3q29.
Variant type: single nucleotide variant.
Coding change: c.980A>G on transcript NM_001312673.2 (MANE Select); coding-DNA position 980, A replaced by G.
Protein change: p.Glu327Gly; replaces glutamic acid 327 with glycine.
Molecular consequence: missense variant.
Genome position (GRCh38, 1-based): chr3:196,238,812, T>C on the plus strand (A>G on the coding strand, the complement: PCYT1A is on the minus strand). VCF-style: chr3-196238812-T-C. GRCh37 (hg19) VCF-style: chr3-195965683-T-C.
Other names: c.980A>G, p.Glu327Gly (NM_005017.4); short protein forms E327G.
Identifiers: ClinVar variation 1954073 (VCV001954073.5), dbSNP rs2474015119, ClinGen allele CA355607911.
Genomic context (GRCh38, chr3:196,238,812, plus strand): 5'-GAGCAAGGTGGGGAAGTCTTGCCGGAGAAGGGCCATCGGAAAGAGGGGGAGGGGGAGCGC[T>C]CGCGAGTAGGGCTGCTGCTGGGGCTCTGCTTCGGGCTGATGGCCTGCAGCATCCGGCCCT-3'
Protein context (NP_001299602.1, residues 317-337): KQSPSSSPTR[Glu327Gly]RSPSPSFRWP

ClinVar aggregate classification (germline): Uncertain significance (1 of 4 stars; one submission).

Submission:

Labcorp Genetics (formerly Invitae), Labcorp
Classification: Uncertain significance. Last evaluated: 2022-10-17. Review status: criteria provided, single submitter. Criteria: Invitae Variant Classification Sherloc (09022015). Collection method: clinical testing. Allele origin: germline.
Comment: In summary, the available evidence is currently insufficient to determine the role of this variant in disease. Therefore, it has been classified as a Variant of Uncertain Significance. Advanced modeling of protein sequence and biophysical properties (such as structural, functional, and spatial information, amino acid conservation, physicochemical variation, residue mobility, and thermodynamic stability) performed at Invitae indicates that this missense variant is not expected to disrupt PCYT1A protein function. This variant has not been reported in the literature in individuals affected with PCYT1A-related conditions. This variant is not present in population databases (gnomAD no frequency). This sequence change replaces glutamic acid, which is acidic and polar, with glycine, which is neutral and non-polar, at codon 327 of the PCYT1A protein (p.Glu327Gly).